The following is an entry in ClinVar:

NM_199420.4(POLQ):c.4501A>G (p.Lys1501Glu)

Gene: POLQ (DNA polymerase theta; minus strand). Cytogenetic location: 3q13.33.
Variant type: single nucleotide variant.
Coding change: c.4501A>G on transcript NM_199420.4 (MANE Select); coding-DNA position 4501, A replaced by G.
Protein change: p.Lys1501Glu; replaces lysine 1501 with glutamic acid.
Molecular consequence: missense variant.
Genome position (GRCh38, 1-based): chr3:121,488,430, T>C on the plus strand (A>G on the coding strand, the complement: POLQ is on the minus strand). VCF-style: chr3-121488430-T-C. GRCh37 (hg19) VCF-style: chr3-121207277-T-C.
Other names: short protein forms K1501E.
Identifiers: ClinVar variation 1741054 (VCV001741054.2), dbSNP rs1478634571, ClinGen allele CA354094925.

ClinVar aggregate classification (germline): Uncertain significance (1 of 4 stars; one submission).

Allele frequency attached by ClinVar (database versions not stated): gnomAD exomes below 0.00001; gnomAD 0.00001.
gnomAD v4.1: 2 of 1,612,790 alleles (0.00012%); highest among the groups gnomAD compares: Admixed American, 0.0033%; no homozygotes.

Submission:

Ambry Genetics
Classification: Uncertain significance. Last evaluated: 2022-03-11. Review status: criteria provided, single submitter. Criteria: Ambry Variant Classification Scheme 2023. Collection method: clinical testing. Allele origin: germline.
Comment: The p.K1501E variant (also known as c.4501A>G), located in coding exon 16 of the POLQ gene, results from an A to G substitution at nucleotide position 4501. The lysine at codon 1501 is replaced by glutamic acid, an amino acid with similar properties. This amino acid position is conserved. In addition, this alteration is predicted to be tolerated by in silico analysis. Since supporting evidence is limited at this time, the clinical significance of this alteration remains unclear.